The following is an entry in ClinVar:

ClinVar aggregate classification (germline): Uncertain significance (1 of 4 stars; one submission).

Conditions:
Hereditary cancer-predisposing syndrome. Also called: Hereditary Cancer Syndrome; Hereditary neoplastic syndrome; Neoplastic Syndromes, Hereditary; Tumor predisposition. Identifiers: Orphanet 140162, MedGen C0027672, MeSH D009386, MONDO:0015356.

Submission:

Ambry Genetics
Classification: Uncertain significance for Hereditary cancer-predisposing syndrome. Last evaluated: 2021-12-04. Review status: criteria provided, single submitter. Criteria: Ambry Variant Classification Scheme 2023. Collection method: clinical testing. Allele origin: germline.
Comment: The p.M318K variant (also known as c.953T>A), located in coding exon 6 of the KIT gene, results from a T to A substitution at nucleotide position 953. The methionine at codon 318 is replaced by lysine, an amino acid with similar properties. This amino acid position is conserved. In addition, this alteration is predicted to be tolerated by in silico analysis. Since supporting evidence is limited at this time, the clinical significance of this alteration remains unclear.

NM_000222.3(KIT):c.953T>A (p.Met318Lys)

Gene: KIT (KIT proto-oncogene, receptor tyrosine kinase; plus strand). Cytogenetic location: 4q12.
Variant type: single nucleotide variant.
Coding change: c.953T>A on transcript NM_000222.3 (MANE Select); coding-DNA position 953, T replaced by A.
Protein change: p.Met318Lys; replaces methionine 318 with lysine.
Molecular consequence: missense variant.
Genome position (GRCh38, 1-based): chr4:54,707,125, T>A. VCF-style: chr4-54707125-T-A. GRCh37 (hg19) VCF-style: chr4-55573291-T-A.
Other names: c.953T>A, p.Met318Lys (NM_001093772.2, NM_001385285.1, NM_001385286.1); c.956T>A, p.Met319Lys (NM_001385284.1, NM_001385288.1, NM_001385290.1 and 1 more transcripts); short protein forms M318K, M319K.
Identifiers: ClinVar variation 1767315 (VCV001767315.2), dbSNP rs2475478414, ClinGen allele CA356900757.
Genomic context (GRCh38, chr4:54,707,125, plus strand): 5'-TGGTTTCTTTCTGTCTTATTTCATTCTAATTAGATAAAGGATTCATTAATATCTTCCCCA[T>A]GATAAACACTACAGTATTTGTAAACGATGGAGAAAATGTAGATTTGATTGTTGAATATGA-3'
Protein context (NP_000213.1, residues 308-328): VDKGFINIFP[Met318Lys]INTTVFVNDG